The following is an entry in ClinVar:

ClinVar aggregate classification (germline): Uncertain significance. Review status: criteria provided, multiple submitters, no conflicts (2 of 4 stars). 2 submissions from 2 submitters: Uncertain significance (2). Last evaluated 2025-06-27.

Conditions:
Arrhythmogenic right ventricular dysplasia 13. Also called: Arrhythmogenic right ventricular dysplasia, familial, 13; ARRHYTHMOGENIC RIGHT VENTRICULAR CARDIOMYOPATHY 13. Identifiers: MedGen C3810138, MONDO:0000908, OMIM 615616.

Allele frequency attached by ClinVar (database versions not stated): gnomAD exomes 0.00001 and 0.00004; ExAC 0.00003; gnomAD 0.00017 and 0.00020; TOPMed 0.00018; ESP Exome Variant Server 0.00023.
gnomAD v4.1: 43 of 1,614,002 alleles (0.0027%); highest among the groups gnomAD compares: African/African-American, 0.056%; no homozygotes.

Submissions (2):

Labcorp Genetics (formerly Invitae), Labcorp
Classification: Uncertain significance for Arrhythmogenic right ventricular dysplasia 13. Last evaluated: 2025-06-27. Review status: criteria provided, single submitter. Criteria: Invitae Variant Classification Sherloc (09022015). Collection method: clinical testing. Allele origin: germline.
Comment: This sequence change replaces leucine, which is neutral and non-polar, with serine, which is neutral and polar, at codon 525 of the CTNNA3 protein (p.Leu525Ser). This variant is present in population databases (rs369650158, gnomAD 0.07%), and has an allele count higher than expected for a pathogenic variant. This variant has not been reported in the literature in individuals affected with CTNNA3-related conditions. ClinVar contains an entry for this variant (Variation ID: 1442495). Invitae Evidence Modeling of protein sequence and biophysical properties (such as structural, functional, and spatial information, amino acid conservation, physicochemical variation, residue mobility, and thermodynamic stability) indicates that this missense variant is not expected to disrupt CTNNA3 protein function with a negative predictive value of 80%. In summary, the available evidence is currently insufficient to determine the role of this variant in disease. Therefore, it has been classified as a Variant of Uncertain Significance.

Ambry Genetics
Classification: Uncertain significance. Last evaluated: 2022-04-13. Review status: criteria provided, single submitter. Criteria: Ambry Variant Classification Scheme 2023. Collection method: clinical testing. Allele origin: germline.

NM_013266.4(CTNNA3):c.1574T>C (p.Leu525Ser)

Gene: CTNNA3 (catenin alpha 3; minus strand). Cytogenetic location: 10q21.3.
Variant type: single nucleotide variant.
Coding change: c.1574T>C on transcript NM_013266.4 (MANE Select); coding-DNA position 1574, T replaced by C.
Protein change: p.Leu525Ser; replaces leucine 525 with serine.
Molecular consequence: missense variant.
Genome position (GRCh38, 1-based): chr10:66,379,310, A>G on the plus strand (T>C on the coding strand, the complement: CTNNA3 is on the minus strand). VCF-style: chr10-66379310-A-G. GRCh37 (hg19) VCF-style: chr10-68139068-A-G.
Other names: c.1574T>C (NM_013266.2); c.1574T>C, p.Leu525Ser (NM_001127384.3); short protein forms L525S.
Identifiers: ClinVar variation 1442495 (VCV001442495.7), dbSNP rs369650158, ClinGen allele CA5519892.